The following is an entry in ClinVar:

NM_198253.3(TERT):c.1885G>A (p.Gly629Arg)

Gene: TERT (telomerase reverse transcriptase; minus strand). Cytogenetic location: 5p15.33.
Variant type: single nucleotide variant.
Coding change: c.1885G>A on transcript NM_198253.3 (MANE Select); coding-DNA position 1885, G replaced by A.
Protein change: p.Gly629Arg; replaces glycine 629 with arginine.
Molecular consequence: missense variant. On other transcripts: non-coding transcript variant (2).
Genome position (GRCh38, 1-based): chr5:1,280,223, C>T on the plus strand (G>A on the coding strand, the complement: TERT is on the minus strand). VCF-style: chr5-1280223-C-T. GRCh37 (hg19) VCF-style: chr5-1280338-C-T.
Other names: c.1885G>A, p.Gly629Arg (NM_001193376.3); short protein forms G629R.
Identifiers: ClinVar variation 1315956 (VCV001315956.9), dbSNP rs2126644343, ClinGen allele CA359081508.

ClinVar aggregate classification (germline): Conflicting classifications of pathogenicity. Review status: criteria provided, conflicting classifications (1 of 4 stars). 5 submissions from 5 submitters: Likely pathogenic (1); Uncertain significance (4). Last evaluated 2026-07-08.

Conditions:
Pulmonary fibrosis and/or bone marrow failure, Telomere-related, 1. Also called: PULMONARY FIBROSIS AND/OR BONE MARROW FAILURE SYNDROME, TELOMERE-RELATED, 1. Identifiers: Orphanet 88, MedGen C3553617, MONDO:0013878, OMIM 614742.
Dyskeratosis congenita, autosomal dominant 2. Identifiers: MedGen C3151443, MONDO:0013521, OMIM 613989.
Idiopathic Pulmonary Fibrosis. Also called: Idiopathic fibrosing alveolitis, chronic form; idiopathic fibrosing alveolitis. Identifiers: Orphanet 2032, MedGen C1800706, MeSH D054990, MONDO:0800504.
Dyskeratosis congenita. Identifiers: Orphanet 1775, MedGen C0265965, MONDO:0015780.

gnomAD v4.1: 1 of 1,614,008 alleles (0.000062%); highest among the groups gnomAD compares: Non-Finnish European, 0.000085%; no homozygotes.

Submissions (5):

Department of Human Genetics, Hannover Medical School
Classification: Likely pathogenic for Pulmonary fibrosis and/or bone marrow failure, Telomere-related, 1. Last evaluated: 2026-07-08. Review status: criteria provided, single submitter. Criteria: ACMG Guidelines, 2015. Collection method: clinical testing. Allele origin: germline. Inheritance: Autosomal dominant inheritance. Affected: yes.
Comment: ACMG/ ClinGen SVC: PS3_Supporting, PS4_Supporting, PM2_Supporting, PP1, PP2, PP3, PP4_Moderate (PMID: 28099038, 33203829, internal data)

Labcorp Genetics (formerly Invitae), Labcorp
Classification: Uncertain significance for Dyskeratosis congenita, autosomal dominant 2; Idiopathic Pulmonary Fibrosis. Last evaluated: 2024-02-02. Review status: criteria provided, single submitter. Criteria: Invitae Variant Classification Sherloc (09022015). Collection method: clinical testing. Allele origin: germline.
Comment: This sequence change replaces glycine, which is neutral and non-polar, with arginine, which is basic and polar, at codon 629 of the TERT protein (p.Gly629Arg). This variant is not present in population databases (gnomAD no frequency). This missense change has been observed in individual(s) with idiopathic pulmonary fibrosis (PMID: 28099038). ClinVar contains an entry for this variant (Variation ID: 1315956). Advanced modeling of protein sequence and biophysical properties (such as structural, functional, and spatial information, amino acid conservation, physicochemical variation, residue mobility, and thermodynamic stability) performed at Invitae indicates that this missense variant is expected to disrupt TERT protein function with a positive predictive value of 95%. In summary, the available evidence is currently insufficient to determine the role of this variant in disease. Therefore, it has been classified as a Variant of Uncertain Significance.

Revvity Omics, Revvity
Classification: Uncertain significance. Last evaluated: 2023-12-28. Review status: criteria provided, single submitter. Criteria: ACMG Guidelines, 2015. Collection method: clinical testing. Allele origin: germline.

GeneDx
Classification: Uncertain significance. Last evaluated: 2019-11-19. Review status: criteria provided, single submitter. Criteria: GeneDx Variant Classification Process June 2021. Collection method: clinical testing. Allele origin: germline. Affected: yes.
Comment: Has not been previously published as pathogenic or benign to our knowledge; A different variant, c.1885G>C, causing the same missense change was observed in an individual with idiopathic pulmonary fibrosis (Petrovski 2017); Not observed in large population cohorts (Lek 2016); In silico analysis, which includes protein predictors and evolutionary conservation, supports a deleterious effect; This variant is associated with the following publications: (PMID: 28099038, 31426295)

Ambry Genetics
Classification: Uncertain significance for Dyskeratosis congenita. Last evaluated: 2016-03-31. Review status: criteria provided, single submitter. Criteria: Ambry Variant Classification Scheme 2023. Collection method: clinical testing. Allele origin: germline.
Comment: The p.G629R variant (also known as c.1885G>A), located in coding exon 4 of the TERT gene, results from a G to A substitution at nucleotide position 1885. The glycine at codon 629 is replaced by arginine, an amino acid with dissimilar properties. This variant was not reported in population based cohorts in the following databases: Database of Single Nucleotide Polymorphisms (dbSNP), NHLBI Exome Sequencing Project (ESP), and 1000 Genomes Project. In the ESP, this variant was not observed in 6503 samples (13006 alleles) with coverage at this position. This amino acid position is highly conserved in available vertebrate species. In addition, this alteration is predicted to be deleterious by in silico analysis. Since supporting evidence is limited at this time, the clinical significance of this variant remains unclear.

Literature cited by the submitters: PubMed 28099038 (cited by Labcorp Genetics (formerly Invitae), Labcorp).